The following is an entry in ClinVar:

ClinVar aggregate classification (germline): Pathogenic/Likely pathogenic. Review status: criteria provided, multiple submitters, no conflicts (2 of 4 stars). 3 submissions from 3 submitters: Pathogenic (2); Likely pathogenic (1). Last evaluated 2024-10-14.

Conditions:
EYS-related disorder. Also called: EYS-related condition.
Retinitis pigmentosa (RP). Identifiers: Orphanet 791, MedGen C0035334, MeSH D012174, MONDO:0019200, OMIM 268000. Inheritance: Autosomal dominant, autosomal recessive and X linked inheritance.

Submissions (3):

Women's Health and Genetics/Laboratory Corporation of America, LabCorp
Classification: Pathogenic for Retinitis pigmentosa. Last evaluated: 2024-10-14. Review status: criteria provided, single submitter. Criteria: LabCorp Variant Classification Summary - May 2015. Collection method: clinical testing. Allele origin: germline.
Comment: Variant summary: EYS c.4615dupA (p.Thr1539AsnfsX9) results in a premature termination codon, predicted to cause a truncation of the encoded protein or absence of the protein due to nonsense mediated decay, which are commonly known mechanisms for disease. The variant was absent in 153646 control chromosomes. To our knowledge, no occurrence of c.4615dupA in individuals affected with Retinitis Pigmentosa and no experimental evidence demonstrating its impact on protein function have been reported. ClinVar contains an entry for this variant (Variation ID: 2784750). Based on the evidence outlined above, the variant was classified as pathogenic.

Labcorp Genetics (formerly Invitae), Labcorp
Classification: Pathogenic. Last evaluated: 2023-11-29. Review status: criteria provided, single submitter. Criteria: Invitae Variant Classification Sherloc (09022015). Collection method: clinical testing. Allele origin: germline.
Comment: This sequence change creates a premature translational stop signal (p.Thr1539Asnfs*9) in the EYS gene. It is expected to result in an absent or disrupted protein product. Loss-of-function variants in EYS are known to be pathogenic (PMID: 18836446, 20333770). This variant is not present in population databases (gnomAD no frequency). This variant has not been reported in the literature in individuals affected with EYS-related conditions. For these reasons, this variant has been classified as Pathogenic.

Blueprint Genetics
Classification: Likely pathogenic for EYS-related disorders. Last evaluated: 2021-06-16. Review status: criteria provided, single submitter. Criteria: ACMG Guidelines, 2015. Collection method: clinical testing. Allele origin: germline. Affected: yes. Observed: 2 variant alleles.

Literature cited by the submitters: PubMed 18836446 (cited by Labcorp Genetics (formerly Invitae), Labcorp); PubMed 20333770 (cited by Labcorp Genetics (formerly Invitae), Labcorp).

NM_001142800.2(EYS):c.4615dup (p.Thr1539fs)

Gene: EYS (EGF-like photoreceptor maintenance factor; minus strand). Cytogenetic location: 6q12.
Variant type: Duplication.
Coding change: c.4615dup on transcript NM_001142800.2 (MANE Select); coding-DNA position 4615, one base duplicated (A; older notation c.4615dupA).
Protein change: p.Thr1539fs; shifts the reading frame from threonine 1539.
Molecular consequence: frameshift variant.
Genome position (GRCh38, 1-based): chr6:64,591,252, T duplicated on the plus strand (A on the coding strand, the reverse complement: EYS is on the minus strand). VCF-style (leftmost placement, unchanged base first): chr6-64591251-G-GT. GRCh37 (hg19) VCF-style: chr6-65301144-G-GT.
Other names: c.4615dupA (NM_001142800.2); c.4615dup, p.Thr1539fs (NM_001292009.2); short protein forms T1539fs.
Identifiers: ClinVar variation 2784750 (VCV002784750.5), dbSNP rs2533153113, ClinGen allele CA2739273169.